The following is an entry in ClinVar:

ClinVar aggregate classification (germline): Likely benign (0 of 4 stars; one submission).

Conditions:
ADAMTS20-related condition.

gnomAD v4.1: 555 of 1,611,128 alleles (0.034%); highest among the groups gnomAD compares: African/African-American, 0.67%; 1 homozygote.

Submission:

PreventionGenetics, part of Exact Sciences
Classification: Likely benign for ADAMTS20-related condition. Last evaluated: 2024-08-11. Review status: no assertion criteria provided. Collection method: clinical testing. Allele origin: germline.
Comment: This variant is classified as likely benign based on ACMG/AMP sequence variant interpretation guidelines (Richards et al. 2015 PMID: 25741868, with internal and published modifications).

NM_025003.5(ADAMTS20):c.5555A>G (p.Asn1852Ser)

Gene: ADAMTS20 (ADAM metallopeptidase with thrombospondin type 1 motif 20; minus strand). Cytogenetic location: 12q12.
Variant type: single nucleotide variant.
Coding change: c.5555A>G on transcript NM_025003.5 (MANE Select); coding-DNA position 5555, A replaced by G.
Protein change: p.Asn1852Ser; replaces asparagine 1852 with serine.
Molecular consequence: missense variant.
Genome position (GRCh38, 1-based): chr12:43,356,572, T>C on the plus strand (A>G on the coding strand, the complement: ADAMTS20 is on the minus strand). VCF-style: chr12-43356572-T-C. GRCh37 (hg19) VCF-style: chr12-43750375-T-C.
Other names: short protein forms N1852S.
Identifiers: ClinVar variation 3356200 (VCV003356200.1).
Genomic context (GRCh38, chr12:43,356,572, plus strand): 5'-TAACTCCCCTGAGTGAGCCACTTTGCTGTGCTGGATATCTTCATCCCAGTTCCTGACAAA[T>C]TAATGCTAAACTGTCCCTGGATTGTAAATAAAACAAAGAAAAATAGATGGAATTTACAAA-3'
Protein context (NP_079279.3, residues 1842-1862): FRCPQGQFSI[Asn1852Ser]LSGTGMKISS